The following is an entry in ClinVar:

ClinVar aggregate classification (germline): Conflicting classifications of pathogenicity. Review status: criteria provided, conflicting classifications (1 of 4 stars). 3 submissions from 3 submitters: Uncertain significance (1); Likely benign (2). Last evaluated 2025-11-10.

Conditions:
COL6A1-related disorder. Also called: COL6A1-related condition.
Bethlem myopathy 1A. Also called: MYOPATHY, BENIGN CONGENITAL, WITH CONTRACTURES; Bethlem myopathy 1; Bethlem Muscular Dystrophy. Identifiers: Orphanet 610, MedGen CN029274, MONDO:0024530, OMIM 158810.

Allele frequency attached by ClinVar (database versions not stated): gnomAD exomes 0.00001 and 0.00002; ExAC 0.00002; ESP Exome Variant Server 0.00008; gnomAD 0.00012 and 0.00014; TOPMed 0.00012.
gnomAD v4.1: 35 of 1,613,872 alleles (0.0022%); highest among the groups gnomAD compares: African/African-American, 0.039%; no homozygotes.

Submissions (3):

Labcorp Genetics (formerly Invitae), Labcorp
Classification: Likely benign for Bethlem myopathy 1A. Last evaluated: 2025-11-10. Review status: criteria provided, single submitter. Criteria: Invitae Variant Classification Sherloc (09022015). Collection method: clinical testing. Allele origin: germline.

PreventionGenetics, part of Exact Sciences
Classification: Likely benign for COL6A1-related condition. Last evaluated: 2024-10-09. Review status: criteria provided, single submitter. Criteria: ACMG Guidelines, 2015. Collection method: clinical testing. Allele origin: germline.
Comment: This variant is classified as likely benign based on ACMG/AMP sequence variant interpretation guidelines (Richards et al. 2015 PMID: 25741868, with internal and published modifications).

Eurofins Ntd Llc (ga)
Classification: Uncertain significance. Last evaluated: 2016-09-14. Review status: criteria provided, single submitter. Criteria: EGL Classification Definitions 2015. Collection method: clinical testing. Allele origin: germline. Observed: 1 variant allele, 1 heterozygote.

NM_001848.3(COL6A1):c.2349G>T (p.Arg783=)

Gene: COL6A1 (collagen type VI alpha 1 chain; plus strand). Cytogenetic location: 21q22.3.
Variant type: single nucleotide variant.
Coding change: c.2349G>T on transcript NM_001848.3 (MANE Select); coding-DNA position 2349, G replaced by T.
Protein change: p.Arg783=; no amino-acid change (arginine 783 retained).
Molecular consequence: synonymous variant.
Genome position (GRCh38, 1-based): chr21:46,002,625, G>T. VCF-style: chr21-46002625-G-T. GRCh37 (hg19) VCF-style: chr21-47422539-G-T.
Other names: c.2349G>T (NM_001848.2).
Identifiers: ClinVar variation 290832 (VCV000290832.14), dbSNP rs373511343, ClinGen allele CA10070846.